The following is an entry in ClinVar:

NM_006080.3(SEMA3A):c.1531C>T (p.Gln511Ter)

Gene: SEMA3A (semaphorin 3A; minus strand). Cytogenetic location: 7q21.11.
Variant type: single nucleotide variant.
Coding change: c.1531C>T on transcript NM_006080.3 (MANE Select); coding-DNA position 1531, C replaced by T.
Protein change: p.Gln511Ter; replaces glutamine 511 with a stop codon.
Molecular consequence: nonsense.
Genome position (GRCh38, 1-based): chr7:83,981,442, G>A on the plus strand (C>T on the coding strand, the complement: SEMA3A is on the minus strand). VCF-style: chr7-83981442-G-A. GRCh37 (hg19) VCF-style: chr7-83610758-G-A.
Other names: short protein forms Q511*.
Identifiers: ClinVar variation 418484 (VCV000418484.2), dbSNP rs1064793265, ClinGen allele CA16618569.
Genomic context (GRCh38, chr7:83,981,442, plus strand): 5'-GGGCGAGGCAACACTCAGCACACGCTTTCCCGTAAATATCACACCGGTGTAAAGGGAGCT[G>A]GGCAACCCCAGCCGTTGAACCAATATATAGTTGTTGCTGTGGAAAGAGTTTACTGCTGTG-3'

ClinVar aggregate classification (germline): Likely pathogenic (1 of 4 stars; one submission).

Allele frequency attached by ClinVar (database versions not stated): TOPMed below 0.00001.

Submission:

GeneDx
Classification: Likely pathogenic. Last evaluated: 2016-08-23. Review status: criteria provided, single submitter. Criteria: GeneDx Variant Classification (06012015). Collection method: clinical testing. Allele origin: germline. Affected: yes.
Comment: The Q511X variant in the SEMA3A gene has not been reported previously as a disease-causing variant nor as a benign polymorphism, to our knowledge. This variant is predicted to cause loss of normal protein function either through protein truncation or nonsense-mediated mRNA decay. The Q511X variant was not observed in approximately 6,500 individuals of European and African American ancestry in the NHLBI Exome Sequencing Project, indicating it is not a common benign variant in these populations. The Q511X variant is a good candidate for a disease-causing variant. However the possibility it may be a rare benign variant cannot be excluded.